The following is an entry in ClinVar:

NM_018418.5(SPATA7):c.411A>C (p.Lys137Asn)

Gene: SPATA7 (spermatogenesis associated 7; plus strand). Cytogenetic location: 14q31.3.
Variant type: single nucleotide variant.
Coding change: c.411A>C on transcript NM_018418.5 (MANE Select); coding-DNA position 411, A replaced by C.
Protein change: p.Lys137Asn; replaces lysine 137 with asparagine.
Molecular consequence: missense variant.
Genome position (GRCh38, 1-based): chr14:88,426,270, A>C. VCF-style: chr14-88426270-A-C. GRCh37 (hg19) VCF-style: chr14-88892614-A-C.
Other names: c.315A>C, p.Lys105Asn (NM_001040428.4); c.411A>C (NM_018418.4); short protein forms K105N, K137N.
Identifiers: ClinVar variation 1014458 (VCV001014458.7), dbSNP rs772148541, ClinGen allele CA7298530.
Genomic context (GRCh38, chr14:88,426,270, plus strand): 5'-CTGTCATATCGAATGTTCTTAGCCCTCAGGCGAACCGCAAATTGAGGATGACATGTTAAA[A>C]GAAGAAATGAATGGATTTTCATCCTTTGCAAGGTCACTAGTACCCTCTTCAGAGAGACTA-3'
Protein context (NP_060888.2, residues 127-147): GEPQIEDDML[Lys137Asn]EEMNGFSSFA

ClinVar aggregate classification (germline): Uncertain significance. Review status: criteria provided, multiple submitters, no conflicts (2 of 4 stars). 2 submissions from 2 submitters: Uncertain significance (2). Last evaluated 2024-08-21.

Conditions:
Inborn genetic diseases. Identifiers: MedGen C0950123, MeSH D030342.
Leber congenital amaurosis 3 (LCA3). Also called: SPATA7-Related Retinitis Pigmentosa. Identifiers: MedGen C1858677, MONDO:0011415, OMIM 604232.

Allele frequency attached by ClinVar (database versions not stated): TOPMed below 0.00001; gnomAD 0.00001; ExAC 0.00002; gnomAD exomes 0.00002 and 0.00006.
gnomAD v4.1: 95 of 1,614,012 alleles (0.0059%); highest among the groups gnomAD compares: Non-Finnish European, 0.0077%; no homozygotes.

Submissions (2):

Ambry Genetics
Classification: Uncertain significance for Inborn genetic diseases. Last evaluated: 2024-08-21. Review status: criteria provided, single submitter. Criteria: Ambry Variant Classification Scheme 2023. Collection method: clinical testing. Allele origin: germline.

Labcorp Genetics (formerly Invitae), Labcorp
Classification: Uncertain significance for Leber congenital amaurosis 3. Last evaluated: 2021-09-01. Review status: criteria provided, single submitter. Criteria: Invitae Variant Classification Sherloc (09022015). Collection method: clinical testing. Allele origin: germline.
Comment: This sequence change replaces lysine with asparagine at codon 137 of the SPATA7 protein (p.Lys137Asn). The lysine residue is weakly conserved and there is a moderate physicochemical difference between lysine and asparagine. This variant is present in population databases (rs772148541, ExAC 0.003%). This variant has not been reported in the literature in individuals affected with SPATA7-related conditions. Algorithms developed to predict the effect of missense changes on protein structure and function (SIFT, PolyPhen-2, Align-GVGD) all suggest that this variant is likely to be tolerated. In summary, the available evidence is currently insufficient to determine the role of this variant in disease. Therefore, it has been classified as a Variant of Uncertain Significance.